The following is an entry in ClinVar:

NM_000548.5(TSC2):c.5087A>T (p.Asp1696Val)

Gene: TSC2 (TSC complex subunit 2; plus strand). Cytogenetic location: 16p13.3.
Variant type: single nucleotide variant.
Coding change: c.5087A>T on transcript NM_000548.5 (MANE Select); coding-DNA position 5087, A replaced by T.
Protein change: p.Asp1696Val; replaces aspartic acid 1696 with valine.
Molecular consequence: missense variant. On other transcripts: non-coding transcript variant (5).
Genome position (GRCh38, 1-based): chr16:2,088,066, A>T. VCF-style: chr16-2088066-A-T. GRCh37 (hg19) VCF-style: chr16-2138067-A-T.
Other names: c.4886A>T, p.Asp1629Val (NM_001077183.3); c.5018A>T, p.Asp1673Val (NM_001114382.3); c.4778A>T, p.Asp1593Val (NM_001318827.2); c.4742A>T, p.Asp1581Val (NM_001318829.2); c.4355A>T, p.Asp1452Val (NM_001318831.2); c.4919A>T, p.Asp1640Val (NM_001318832.2); c.4889A>T, p.Asp1630Val (NM_001363528.2); c.4955A>T, p.Asp1652Val (NM_001370404.1); and 26 more; short protein forms D1095V, D1181V, D1473V, D1496V, D1580V, D1610V, D1624V, D1625V.
Identifiers: ClinVar variation 5031393 (VCV005031393.1).
Genomic context (GRCh38, chr16:2,088,066, plus strand): 5'-GCCAAGAGCCCTGGGCCTGGCGTGACCACCAAGTCTCCCCAGACATGGAGGGCCTTGTGG[A>T]CACCAGCGTGGCCAAGATCGTGTCTGACCGCAACCTGCCCTTCGTGGCCCGCCAGATGGC-3'
Protein context (NP_000539.2, residues 1686-1706): QCRKDMEGLV[Asp1696Val]TSVAKIVSDR

ClinVar aggregate classification (germline): Uncertain significance (1 of 4 stars; one submission).

Conditions:
Hereditary cancer-predisposing syndrome. Also called: Neoplastic Syndromes, Hereditary; Tumor predisposition; Hereditary neoplastic syndrome; Hereditary Cancer Syndrome. Identifiers: Orphanet 140162, MedGen C0027672, MeSH D009386, MONDO:0015356.

Submission:

Ambry Genetics
Classification: Uncertain significance for Hereditary cancer-predisposing syndrome. Last evaluated: 2026-08-23. Review status: criteria provided, single submitter. Criteria: Ambry Variant Classification Scheme 2023. Collection method: clinical testing. Allele origin: germline.
Comment: The p.D1696V variant (also known as c.5087A>T), located in coding exon 39 of the TSC2 gene, results from an A to T substitution at nucleotide position 5087. The aspartic acid at codon 1696 is replaced by valine, an amino acid with highly dissimilar properties. This amino acid position is conserved. In addition, this alteration is predicted to be deleterious by in silico analysis. Based on the available evidence, the clinical significance of this variant remains unclear.